The following is an entry in ClinVar:

ClinVar aggregate classification (germline): Uncertain significance (1 of 4 stars; one submission).

Conditions:
Insulin-dependent diabetes mellitus secretory diarrhea syndrome (IPEX). Also called: Immunodysregulation, polyendocrinopathy, and enteropathy, X-linked; Immune dysregulation-polyendocrinopathy-enteropathy-X-linked syndrome; Immunodeficiency, Polyendocrinopathy, and Enteropathy X-Linked Syndrome; X-Linked Syndrome of Polyendocrinopathy, Immune Dysfunction, and Diarrhea; IPEX and IPEX-Like; DIABETES MELLITUS, CONGENITAL INSULIN-DEPENDENT, WITH FATAL SECRETORY DIARRHEA. Identifiers: Orphanet 37042, MedGen C0342288, MONDO:0010580, OMIM 304790. Disease mechanism: loss of function.

gnomAD v4.1: 17 of 1,167,095 alleles (0.0015%); highest among the groups gnomAD compares: Non-Finnish European, 0.0019%; no homozygotes.

Submission:

Labcorp Genetics (formerly Invitae), Labcorp
Classification: Uncertain significance for Insulin-dependent diabetes mellitus secretory diarrhea syndrome. Last evaluated: 2024-08-30. Review status: criteria provided, single submitter. Criteria: Invitae Variant Classification Sherloc (09022015). Collection method: clinical testing. Allele origin: germline.
Comment: This sequence change replaces arginine, which is basic and polar, with glycine, which is neutral and non-polar, at codon 48 of the FOXP3 protein (p.Arg48Gly). This variant is not present in population databases (gnomAD no frequency). This variant has not been reported in the literature in individuals affected with FOXP3-related conditions. Invitae Evidence Modeling of protein sequence and biophysical properties (such as structural, functional, and spatial information, amino acid conservation, physicochemical variation, residue mobility, and thermodynamic stability) indicates that this missense variant is not expected to disrupt FOXP3 protein function with a negative predictive value of 80%. In summary, the available evidence is currently insufficient to determine the role of this variant in disease. Therefore, it has been classified as a Variant of Uncertain Significance.

NM_014009.4(FOXP3):c.142C>G (p.Arg48Gly)

Gene: FOXP3 (forkhead box P3; minus strand). Cytogenetic location: Xp11.23.
Variant type: single nucleotide variant.
Coding change: c.142C>G on transcript NM_014009.4 (MANE Select); coding-DNA position 142, C replaced by G.
Protein change: p.Arg48Gly; replaces arginine 48 with glycine.
Molecular consequence: missense variant.
Genome position (GRCh38, 1-based): chrX:49,258,364, G>C on the plus strand (C>G on the coding strand, the complement: FOXP3 is on the minus strand). VCF-style: chrX-49258364-G-C. GRCh37 (hg19) VCF-style: chrX-49114821-G-C.
Other names: c.142C>G, p.Arg48Gly (NM_001114377.2); short protein forms R48G.
Identifiers: ClinVar variation 3623264 (VCV003623264.2).